The following is an entry in ClinVar:

ClinVar aggregate classification (germline): Likely benign. Review status: criteria provided, multiple submitters, no conflicts (2 of 4 stars). 2 submissions from 2 submitters: Likely benign (2). Last evaluated 2026-01-20.

Conditions:
LMNA-related disorder. Also called: LMNA-related condition; LMNA-related disease; LMNA-related disorders. Identifiers: MedGen CN380145.

gnomAD v4.1: 138 of 1,604,226 alleles (0.0086%); highest among the groups gnomAD compares: Admixed American, 0.063%; no homozygotes.

Submissions (2):

PreventionGenetics, part of Exact Sciences
Classification: Likely benign for LMNA-related condition. Last evaluated: 2026-01-20. Review status: criteria provided, single submitter. Criteria: ACMG Guidelines, 2015. Collection method: clinical testing. Allele origin: germline.
Comment: This variant is classified as likely benign based on ACMG/AMP sequence variant interpretation guidelines (Richards et al. 2015 PMID: 25741868, with internal and published modifications).

Blueprint Genetics
Classification: Likely benign. Last evaluated: 2024-07-30. Review status: criteria provided, single submitter. Criteria: ACMG Guidelines, 2015. Collection method: clinical testing. Allele origin: germline.

NM_170707.4(LMNA):c.357-3710G>C

Gene: LMNA (lamin A/C; plus strand). Cytogenetic location: 1q22.
Variant type: single nucleotide variant.
Coding change: c.357-3710G>C on transcript NM_170707.4 (MANE Select); 3710 bases into the intron before coding-DNA position 357, G replaced by C.
Molecular consequence: intron variant. On other transcripts: synonymous variant (3), 5 prime UTR variant (2).
Genome position (GRCh38, 1-based): chr1:156,126,907, G>C. VCF-style: chr1-156126907-G-C. GRCh37 (hg19) VCF-style: chr1-156096698-G-C.
Other names: c.105G>C, p.Gly35= (NM_001282624.2, NM_001406986.1, NM_001406987.1); c.-245G>C (NM_001406996.1); c.-317G>C (NM_001406999.1); c.357-3710G>C (NM_001406983.1, NM_001282625.2, NM_001406984.1 and 6 more transcripts); c.-45-7496G>C (NM_001407002.1, NM_001406995.1, NM_001406990.1); c.-202-3710G>C (NM_001406993.1, NM_001407003.1); c.-308-3710G>C (NM_001407000.1, NM_001406994.1); c.-151-7496G>C (NM_001407001.1); and 4 more.
Identifiers: ClinVar variation 4914997 (VCV004914997.2).